The following is an entry in ClinVar:

ClinVar aggregate classification (germline): Uncertain significance (1 of 4 stars; one submission).

Submission:

GeneDx
Classification: Uncertain significance. Last evaluated: 2024-09-13. Review status: criteria provided, single submitter. Criteria: GeneDx Variant Classification Process June 2021. Collection method: clinical testing. Allele origin: germline. Affected: yes.
Comment: Not observed at significant frequency in large population cohorts (gnomAD); In-frame deletion of 2 amino acids and insertion of 2 different amino acids in a non-repeat region; Has not been previously published as pathogenic or benign to our knowledge

NM_001170535.3(ATAD3A):c.1693_1698delinsTACCGA (p.His565_Gln566delinsTyrArg)

Gene: ATAD3A (ATPase family AAA domain containing 3A; plus strand). Cytogenetic location: 1p36.33.
Variant type: Indel.
Coding change: c.1693_1698delinsTACCGA on transcript NM_001170535.3 (MANE Select); coding-DNA positions 1693 to 1698, CACCAG replaced by TACCGA.
Protein change: p.His565_Gln566delinsTyrArg.
Molecular consequence: missense variant.
Genome position (GRCh38, 1-based): chr1:1,534,004-1,534,009, CACCAG replaced by TACCGA. VCF-style: chr1-1534004-CACCAG-TACCGA. GRCh37 (hg19) VCF-style: chr1-1469384-CACCAG-TACCGA.
Other names: c.1456_1461delinsTACCGA, p.His486_Gln487delinsTyrArg (NM_001170536.3); c.1837_1842delinsTACCGA, p.His613_Gln614delinsTyrArg (NM_018188.5).
Identifiers: ClinVar variation 3770029 (VCV003770029.1).